The following is an entry in ClinVar:

NM_003072.5(SMARCA4):c.448G>C (p.Gly150Arg)

Gene: SMARCA4 (SWI/SNF related BAF chromatin remodeling complex subunit ATPase 4; plus strand). Cytogenetic location: 19p13.2.
Variant type: single nucleotide variant.
Coding change: c.448G>C on transcript NM_003072.5 (MANE Select); coding-DNA position 448, G replaced by C.
Protein change: p.Gly150Arg; replaces glycine 150 with arginine.
Molecular consequence: missense variant. On other transcripts: non-coding transcript variant (1).
Genome position (GRCh38, 1-based): chr19:10,986,281, G>C. VCF-style: chr19-10986281-G-C. GRCh37 (hg19) VCF-style: chr19-11096957-G-C.
Other names: c.448G>C, p.Gly150Arg (NM_001128844.3, NM_001128845.2, NM_001128846.2 and 6 more transcripts); short protein forms G150R.
Identifiers: ClinVar variation 3798905 (VCV003798905.1).

ClinVar aggregate classification (germline): Uncertain significance (1 of 4 stars; one submission).

Conditions:
Hereditary cancer-predisposing syndrome. Also called: Neoplastic Syndromes, Hereditary; Hereditary Cancer Syndrome; Tumor predisposition; Hereditary neoplastic syndrome. Identifiers: Orphanet 140162, MedGen C0027672, MeSH D009386, MONDO:0015356.

Submission:

Ambry Genetics
Classification: Uncertain significance for Hereditary cancer-predisposing syndrome. Last evaluated: 2025-01-17. Review status: criteria provided, single submitter. Criteria: Ambry Variant Classification Scheme 2023. Collection method: clinical testing. Allele origin: germline.
Comment: The p.G150R variant (also known as c.448G>C), located in coding exon 3 of the SMARCA4 gene, results from a G to C substitution at nucleotide position 448. The glycine at codon 150 is replaced by arginine, an amino acid with dissimilar properties. This amino acid position is conserved. In addition, the in silico prediction for this alteration is inconclusive. Based on the available evidence, the clinical significance of this variant remains unclear.